The following is an entry in ClinVar:

ClinVar aggregate classification (germline): Conflicting classifications of pathogenicity. Review status: criteria provided, conflicting classifications (1 of 4 stars). 2 submissions from 2 submitters: Uncertain significance (1); Likely benign (1). Last evaluated 2022-12-04.

Conditions:
Developmental and epileptic encephalopathy, 14 (DEE14). Also called: Early infantile epileptic encephalopathy 14. Identifiers: Orphanet 293181, MedGen C3554195, MONDO:0013989, OMIM 614959.
Autosomal dominant nocturnal frontal lobe epilepsy 5. Also called: CILIARY DYSKINESIA, PRIMARY, 28, WITHOUT SITUS INVERSUS; CILIARY DYSKINESIA, PRIMARY, 28, WITH SITUS INVERSUS; Epilepsy, nocturnal frontal lobe, 5; KCNT1-Related Epilepsy. Identifiers: Orphanet 98784, MedGen C3554306, MONDO:0014002, OMIM 615005.

Allele frequency attached by ClinVar (database versions not stated): TOPMed below 0.00001.

Submissions (2):

Labcorp Genetics (formerly Invitae), Labcorp
Classification: Likely benign for Autosomal dominant nocturnal frontal lobe epilepsy 5; Developmental and epileptic encephalopathy, 14. Last evaluated: 2022-12-04. Review status: criteria provided, single submitter. Criteria: Invitae Variant Classification Sherloc (09022015). Collection method: clinical testing. Allele origin: germline.

GeneDx
Classification: Uncertain significance. Last evaluated: 2019-09-18. Review status: criteria provided, single submitter. Criteria: GeneDx Variant Classification Process June 2021. Collection method: clinical testing. Allele origin: germline. Affected: yes.
Comment: Not observed in large population cohorts (Lek et al., 2016); In silico analysis, which includes protein predictors and evolutionary conservation, supports that this variant does not alter protein structure/function; Has not been previously published as pathogenic or benign to our knowledge

NM_020822.3(KCNT1):c.173A>G (p.Asp58Gly)

Gene: KCNT1 (potassium sodium-activated channel subfamily T member 1; plus strand). Cytogenetic location: 9q34.3.
Variant type: single nucleotide variant.
Coding change: c.173A>G on transcript NM_020822.3 (MANE Select); coding-DNA position 173, A replaced by G.
Protein change: p.Asp58Gly; replaces aspartic acid 58 with glycine.
Molecular consequence: missense variant. On other transcripts: intron variant (1).
Genome position (GRCh38, 1-based): chr9:135,714,639, A>G. VCF-style: chr9-135714639-A-G. GRCh37 (hg19) VCF-style: chr9-138606485-A-G.
Other names: c.110+12271A>G (NM_001272003.2); short protein forms D58G.
Identifiers: ClinVar variation 723392 (VCV000723392.11), dbSNP rs1588255313, ClinGen allele CA375493314.